The following is an entry in ClinVar:

ClinVar aggregate classification (germline): Conflicting classifications of pathogenicity. Review status: criteria provided, conflicting classifications (1 of 4 stars). 6 submissions from 6 submitters: Uncertain significance (1); Likely benign (5). Last evaluated 2026-01-24.

Conditions:
Joubert syndrome 25 (JBTS25). Identifiers: Orphanet 475, MedGen C4084842, MONDO:0014770, OMIM 616781.
CEP104-related disorder. Also called: CEP104-related condition.

Allele frequency attached by ClinVar (database versions not stated): 1000 Genomes Project 30x 0.00016; 1000 Genomes Project 0.00020; ExAC 0.00026; gnomAD 0.00026 and 0.00028; gnomAD exomes 0.00028 and 0.00030; TOPMed 0.00028; ESP Exome Variant Server 0.00031.
gnomAD v4.1: 496 of 1,614,054 alleles (0.031%); highest among the groups gnomAD compares: Middle Eastern, 0.099%; no homozygotes.

Submissions (6):

Labcorp Genetics (formerly Invitae), Labcorp
Classification: Likely benign for Joubert syndrome 25. Last evaluated: 2026-01-24. Review status: criteria provided, single submitter. Criteria: Invitae Variant Classification Sherloc (09022015). Collection method: clinical testing. Allele origin: germline.

PreventionGenetics, part of Exact Sciences
Classification: Likely benign for CEP104-related condition. Last evaluated: 2025-03-04. Review status: criteria provided, single submitter. Criteria: ACMG Guidelines, 2015. Collection method: clinical testing. Allele origin: germline.
Comment: This variant is classified as likely benign based on ACMG/AMP sequence variant interpretation guidelines (Richards et al. 2015 PMID: 25741868, with internal and published modifications).

Women's Health and Genetics/Laboratory Corporation of America, LabCorp
Classification: Likely benign. Last evaluated: 2025-01-23. Review status: criteria provided, single submitter. Criteria: LabCorp Variant Classification Summary - May 2015. Collection method: clinical testing. Allele origin: germline.
Comment: Variant summary: CEP104 c.550G>C (p.Glu184Gln) results in a conservative amino acid change in the encoded protein sequence. Four of five in-silico tools predict a benign effect of the variant on protein function. The observed variant frequency within Ashkenazi Jewish control individuals in the gnomAD database is approximately 9-fold of the estimated maximal expected allele frequency for a pathogenic variant in CEP104 causing Joubert Syndrome And Related Disorders phenotype (0.0004). To our knowledge, no occurrence of c.550G>C in individuals affected with Joubert Syndrome And Related Disorders and no experimental evidence demonstrating its impact on protein function have been reported. ClinVar contains an entry for this variant (Variation ID: 798188). Based on the evidence outlined above, the variant was classified as likely benign.

Blueprint Genetics
Classification: Likely benign. Last evaluated: 2024-11-25. Review status: criteria provided, single submitter. Criteria: ACMG Guidelines, 2015. Collection method: clinical testing. Allele origin: germline.

Revvity Omics, Revvity
Classification: Uncertain significance. Last evaluated: 2021-08-04. Review status: criteria provided, single submitter. Criteria: ACMG Guidelines, 2015. Collection method: clinical testing. Allele origin: germline.

GeneDx
Classification: Likely benign. Last evaluated: 2021-01-15. Review status: criteria provided, single submitter. Criteria: GeneDx Variant Classification Process June 2021. Collection method: clinical testing. Allele origin: germline. Affected: yes.
Comment: In silico analysis supports that this missense variant does not alter protein structure/function; Has not been previously published as pathogenic or benign to our knowledge

NM_014704.4(CEP104):c.550G>C (p.Glu184Gln)

Gene: CEP104 (centrosomal protein 104; minus strand). Cytogenetic location: 1p36.32.
Variant type: single nucleotide variant.
Coding change: c.550G>C on transcript NM_014704.4 (MANE Select); coding-DNA position 550, G replaced by C.
Protein change: p.Glu184Gln; replaces glutamic acid 184 with glutamine.
Molecular consequence: missense variant.
Genome position (GRCh38, 1-based): chr1:3,844,923, C>G on the plus strand (G>C on the coding strand, the complement: CEP104 is on the minus strand). VCF-style: chr1-3844923-C-G. GRCh37 (hg19) VCF-style: chr1-3761487-C-G.
Other names: short protein forms E184Q.
Identifiers: ClinVar variation 798188 (VCV000798188.16), dbSNP rs146922115, ClinGen allele CA551934.
Genomic context (GRCh38, chr1:3,844,923, plus strand): 5'-GAGGAAAGTAAAAGAAGTTCATTGATGGGGAGCAGGACTCTTACCTGGCGTACGTTCCTT[C>G]TAGAGCAGGGTCCTCGCTGTTGTGCCCAAGGTAGTGGTCAATCAACTTCTCTCGAGAGGC-3'
Protein context (NP_055519.1, residues 174-194): LGHNSEDPAL[Glu184Gln]GTYARKSDYI